The following is an entry in ClinVar:

NM_013451.4(MYOF):c.3206A>G (p.Asp1069Gly)

Gene: MYOF (myoferlin; minus strand). Cytogenetic location: 10q23.33.
Variant type: single nucleotide variant.
Coding change: c.3206A>G on transcript NM_013451.4 (MANE Select); coding-DNA position 3206, A replaced by G.
Protein change: p.Asp1069Gly; replaces aspartic acid 1069 with glycine.
Molecular consequence: missense variant.
Genome position (GRCh38, 1-based): chr10:93,356,763, T>C on the plus strand (A>G on the coding strand, the complement: MYOF is on the minus strand). VCF-style: chr10-93356763-T-C. GRCh37 (hg19) VCF-style: chr10-95116520-T-C.
Other names: c.3206A>G (NM_013451.3); c.3167A>G, p.Asp1056Gly (NM_133337.3); short protein forms D1056G, D1069G.
Identifiers: ClinVar variation 2672407 (VCV002672407.24), dbSNP rs777611977, ClinGen allele CA5607567.

ClinVar aggregate classification (germline): Uncertain significance. Review status: criteria provided, multiple submitters, no conflicts (2 of 4 stars). 2 submissions from 2 submitters: Uncertain significance (2). Last evaluated 2024-02-06.

Allele frequency attached by ClinVar (database versions not stated): ExAC 0.00001; gnomAD 0.00001; TOPMed 0.00001; gnomAD exomes 0.00002.
gnomAD v4.1: 35 of 1,614,044 alleles (0.0022%); highest among the groups gnomAD compares: Non-Finnish European, 0.0026%; no homozygotes.

Submissions (2):

Ambry Genetics
Classification: Uncertain significance. Last evaluated: 2024-02-06. Review status: criteria provided, single submitter. Criteria: Ambry Variant Classification Scheme 2023. Collection method: clinical testing. Allele origin: germline.

CeGaT Center for Human Genetics Tuebingen
Classification: Uncertain significance. Last evaluated: 2023-11-01. Review status: criteria provided, single submitter. Criteria: CeGaT Center For Human Genetics Tuebingen Variant Classification Criteria Version 2. Collection method: clinical testing. Allele origin: germline. Affected: yes. Observed: 1 variant allele.
Comment: MYOF: PP3